The following is an entry in ClinVar:

ClinVar aggregate classification (germline): Uncertain significance. Review status: criteria provided, multiple submitters, no conflicts (2 of 4 stars). 2 submissions from 2 submitters: Uncertain significance (2). Last evaluated 2026-06-03.

Conditions:
Retinitis pigmentosa 71 (RP71). Identifiers: Orphanet 791, MedGen C4225342, MONDO:0014618, OMIM 616394.
Short-rib thoracic dysplasia 10 with or without polydactyly (SRTD10). Identifiers: Orphanet 474, MedGen C3810175, MONDO:0014284, OMIM 615630.
IFT172-related disorder. Also called: IFT172-related condition; IFT172-related disorders.

Submissions (2):

PreventionGenetics, part of Exact Sciences
Classification: Uncertain significance for IFT172-related condition. Last evaluated: 2026-06-03. Review status: criteria provided, single submitter. Criteria: ACMG Guidelines, 2015. Collection method: clinical testing. Allele origin: germline.
Comment: The IFT172 c.3196C>G variant is predicted to result in the amino acid substitution p.Arg1066Gly. To our knowledge, this variant has not been reported in the literature or in a large population database (gnomAD), indicating this variant is rare. At this time, the clinical significance of this variant is uncertain due to the absence of conclusive functional and genetic evidence.

Labcorp Genetics (formerly Invitae), Labcorp
Classification: Uncertain significance for Retinitis pigmentosa 71; Short-rib thoracic dysplasia 10 with or without polydactyly. Last evaluated: 2022-05-05. Review status: criteria provided, single submitter. Criteria: Invitae Variant Classification Sherloc (09022015). Collection method: clinical testing. Allele origin: germline.
Comment: This sequence change replaces arginine, which is basic and polar, with glycine, which is neutral and non-polar, at codon 1066 of the IFT172 protein (p.Arg1066Gly). This variant is not present in population databases (gnomAD no frequency). This variant has not been reported in the literature in individuals affected with IFT172-related conditions. ClinVar contains an entry for this variant (Variation ID: 1019702). Algorithms developed to predict the effect of missense changes on protein structure and function (SIFT, PolyPhen-2, Align-GVGD) all suggest that this variant is likely to be tolerated. Algorithms developed to predict the effect of sequence changes on RNA splicing suggest that this variant may create or strengthen a splice site. In summary, the available evidence is currently insufficient to determine the role of this variant in disease. Therefore, it has been classified as a Variant of Uncertain Significance.

NM_015662.3(IFT172):c.3196C>G (p.Arg1066Gly)

Gene: IFT172 (intraflagellar transport 172; minus strand). Cytogenetic location: 2p23.3.
Variant type: single nucleotide variant.
Coding change: c.3196C>G on transcript NM_015662.3 (MANE Select); coding-DNA position 3196, C replaced by G.
Protein change: p.Arg1066Gly; replaces arginine 1066 with glycine.
Molecular consequence: missense variant.
Genome position (GRCh38, 1-based): chr2:27,457,671, G>C on the plus strand (C>G on the coding strand, the complement: IFT172 is on the minus strand). VCF-style: chr2-27457671-G-C. GRCh37 (hg19) VCF-style: chr2-27680538-G-C.
Other names: c.3196C>G (NM_015662.2); short protein forms R1066G.
Identifiers: ClinVar variation 1019702 (VCV001019702.7), dbSNP rs148997142, ClinGen allele CA346379993.